The following is an entry in ClinVar:

ClinVar aggregate classification (germline): Uncertain significance (1 of 4 stars; one submission).

Conditions:
Brachyolmia-amelogenesis imperfecta syndrome. Also called: PLATYSPONDYLY WITH AMELOGENESIS IMPERFECTA; Tooth agenesis, selective, 6; Dental anomalies and short stature. Identifiers: Orphanet 2899, MedGen C1832594, MONDO:0011018, OMIM 601216. Disease mechanism: loss of function.

Allele frequency attached by ClinVar (database versions not stated): gnomAD exomes 0.00001.

Submission:

Labcorp Genetics (formerly Invitae), Labcorp
Classification: Uncertain significance for Brachyolmia-amelogenesis imperfecta syndrome. Last evaluated: 2023-12-01. Review status: criteria provided, single submitter. Criteria: Invitae Variant Classification Sherloc (09022015). Collection method: clinical testing. Allele origin: germline.
Comment: This sequence change replaces glutamine, which is neutral and polar, with histidine, which is basic and polar, at codon 222 of the LTBP3 protein (p.Gln222His). This variant is not present in population databases (gnomAD no frequency). This variant has not been reported in the literature in individuals affected with LTBP3-related conditions. An algorithm developed to predict the effect of missense changes on protein structure and function (PolyPhen-2) suggests that this variant is likely to be disruptive. In summary, the available evidence is currently insufficient to determine the role of this variant in disease. Therefore, it has been classified as a Variant of Uncertain Significance.

NM_001130144.3(LTBP3):c.666G>T (p.Gln222His)

Gene: LTBP3 (latent transforming growth factor beta binding protein 3; minus strand). Cytogenetic location: 11q13.1.
Variant type: single nucleotide variant.
Coding change: c.666G>T on transcript NM_001130144.3 (MANE Select); coding-DNA position 666, G replaced by T.
Protein change: p.Gln222His; replaces glutamine 222 with histidine.
Molecular consequence: missense variant.
Genome position (GRCh38, 1-based): chr11:65,553,899, C>A on the plus strand (G>T on the coding strand, the complement: LTBP3 is on the minus strand). VCF-style: chr11-65553899-C-A. GRCh37 (hg19) VCF-style: chr11-65321370-C-A.
Other names: c.315G>T, p.Gln105His (NM_001164266.1); c.666G>T, p.Gln222His (NM_021070.4); short protein forms Q105H, Q222H.
Identifiers: ClinVar variation 2699889 (VCV002699889.3), dbSNP rs1856709538, ClinGen allele CA381276123.
Genomic context (GRCh38, chr11:65,553,899, plus strand): 5'-CACCTGGACTGAGGCCTCGGGCGGGTGATGGACGCGCACATTCACCACGGGGGGCGGGGC[C>A]TGCACTGGGGGCGGGCGCGGTGGCCTCAGGGCTGCCCGCACCGCGCCGCGGGTCACCGCG-3'
Protein context (NP_001123616.1, residues 212-232): LGPGQISAEV[Gln222His]APPPVVNVRV